The following is an entry in ClinVar:

NM_014159.7(SETD2):c.3249A>G (p.Thr1083=)

Gene: SETD2 (SET domain containing 2, histone lysine methyltransferase; minus strand). Cytogenetic location: 3p21.31.
Variant type: single nucleotide variant.
Coding change: c.3249A>G on transcript NM_014159.7 (MANE Select); coding-DNA position 3249, A replaced by G.
Protein change: p.Thr1083=; no amino-acid change (threonine 1083 retained).
Molecular consequence: synonymous variant. On other transcripts: non-coding transcript variant (1).
Genome position (GRCh38, 1-based): chr3:47,121,387, T>C on the plus strand (A>G on the coding strand, the complement: SETD2 is on the minus strand). VCF-style: chr3-47121387-T-C. GRCh37 (hg19) VCF-style: chr3-47162877-T-C.
Other names: c.3117A>G, p.Thr1039= (NM_001349370.3).
Identifiers: ClinVar variation 5041581 (VCV005041581.1).
Genomic context (GRCh38, chr3:47,121,387, plus strand): 5'-ATCTTCCCAATGGTCAGAATAGTGTCTATAACTTTGACTGCTCCGAGAAGAACAAGGACT[T>C]GTTTCTTCCATGGGCAAAGTAGAATTCTTTGGCACAACCACAACAGACTGGAGACGGTTT-3'
Protein context (NP_054878.5, residues 1073-1093): PKNSTLPMEE[Thr1083=]SPCSSRSSQS

ClinVar aggregate classification (germline): Likely benign (1 of 4 stars; one submission).

gnomAD v4.1: 1 of 1,610,010 alleles (0.000062%); highest among the groups gnomAD compares: Non-Finnish European, 0.000085%; no homozygotes.

Submission:

CeGaT Center for Human Genetics Tuebingen
Classification: Likely benign. Last evaluated: 2026-09-01. Review status: criteria provided, single submitter. Criteria: CeGaT Center For Human Genetics Tuebingen Variant Classification Criteria Version 2. Collection method: clinical testing. Allele origin: germline. Affected: yes. Observed: 1 variant allele.
Comment: SETD2: BP4, BP7